The following is an entry in ClinVar:

ClinVar aggregate classification (germline): Uncertain significance (1 of 4 stars; one submission).

Conditions:
Cardiovascular phenotype. Identifiers: MedGen CN230736.

Submission:

Ambry Genetics
Classification: Uncertain significance for Cardiovascular phenotype. Last evaluated: 2025-01-16. Review status: criteria provided, single submitter. Criteria: Ambry Variant Classification Scheme 2023. Collection method: clinical testing. Allele origin: germline.
Comment: The p.G277R variant (also known as c.829G>A), located in coding exon 2 of the NKX2-5 gene, results from a G to A substitution at nucleotide position 829. The glycine at codon 277 is replaced by arginine, an amino acid with dissimilar properties. This amino acid position is conserved. In addition, this alteration is predicted to be tolerated by in silico analysis. Based on the available evidence, the clinical significance of this variant remains unclear.

NM_004387.4(NKX2-5):c.829G>A (p.Gly277Arg)

Gene: NKX2-5 (NK2 homeobox 5; minus strand). Cytogenetic location: 5q35.1.
Variant type: single nucleotide variant.
Coding change: c.829G>A on transcript NM_004387.4 (MANE Select); coding-DNA position 829, G replaced by A.
Protein change: p.Gly277Arg; replaces glycine 277 with arginine.
Molecular consequence: missense variant. On other transcripts: 3 prime UTR variant (2).
Genome position (GRCh38, 1-based): chr5:173,232,715, C>T on the plus strand (G>A on the coding strand, the complement: NKX2-5 is on the minus strand). VCF-style: chr5-173232715-C-T. GRCh37 (hg19) VCF-style: chr5-172659718-C-T.
Other names: c.*782G>A (NM_001166175.2); c.*628G>A (NM_001166176.2); short protein forms G277R.
Identifiers: ClinVar variation 3879784 (VCV003879784.1).